The following is an entry in ClinVar:

NM_000155.4(GALT):c.617A>G (p.Gln206Arg)

Gene: GALT (galactose-1-phosphate uridylyltransferase; plus strand). Cytogenetic location: 9p13.3.
Variant type: single nucleotide variant.
Coding change: c.617A>G on transcript NM_000155.4 (MANE Select); coding-DNA position 617, A replaced by G.
Protein change: p.Gln206Arg; replaces glutamine 206 with arginine.
Molecular consequence: missense variant.
Genome position (GRCh38, 1-based): chr9:34,648,386, A>G. VCF-style: chr9-34648386-A-G. GRCh37 (hg19) VCF-style: chr9-34648383-A-G.
Other names: p.Gln206Arg; c.290A>G, p.Gln97Arg (NM_001258332.2); short protein forms Q97R, Q206R.
Identifiers: ClinVar variation 650599 (VCV000650599.21), dbSNP rs1587239309, ClinGen allele CA373282050.

ClinVar aggregate classification (germline): Pathogenic/Likely pathogenic. Review status: criteria provided, multiple submitters, no conflicts (2 of 4 stars). 3 submissions from 3 submitters: Pathogenic (1); Likely pathogenic (2). Last evaluated 2024-10-22.

Conditions:
Deficiency of UDPglucose-hexose-1-phosphate uridylyltransferase. Also called: GALACTOSEMIA I; GALT deficiency; Galactosemia, classic; GALACTOSE-1-PHOSPHATE URIDYLYLTRANSFERASE DEFICIENCY; Transferase Deficiency Galactosemia. Identifiers: Orphanet 352, Orphanet 79239, MedGen C0268151, MONDO:0009258, OMIM 230400.

Submissions (3):

Mayo Clinic Laboratories, Mayo Clinic
Classification: Likely pathogenic. Last evaluated: 2024-10-22. Review status: criteria provided, single submitter. Criteria: ACMG Guidelines, 2015. Collection method: clinical testing. Allele origin: germline. Observed: 1 variant allele.
Comment: PP3_moderate, PP4, PM2_supporting, PM3_supporting, PS3_supporting

Labcorp Genetics (formerly Invitae), Labcorp
Classification: Pathogenic for Deficiency of UDPglucose-hexose-1-phosphate uridylyltransferase. Last evaluated: 2024-05-17. Review status: criteria provided, single submitter. Criteria: Invitae Variant Classification Sherloc (09022015). Collection method: clinical testing. Allele origin: germline.
Comment: This sequence change replaces glutamine, which is neutral and polar, with arginine, which is basic and polar, at codon 206 of the GALT protein (p.Gln206Arg). This variant is not present in population databases (gnomAD no frequency). This missense change has been observed in individual(s) with galactosemia (PMID: 22743281; Invitae). ClinVar contains an entry for this variant (Variation ID: 650599). Advanced modeling of protein sequence and biophysical properties (such as structural, functional, and spatial information, amino acid conservation, physicochemical variation, residue mobility, and thermodynamic stability) performed at Invitae indicates that this missense variant is expected to disrupt GALT protein function with a positive predictive value of 95%. For these reasons, this variant has been classified as Pathogenic.

ARUP Laboratories, Molecular Genetics and Genomics, ARUP Laboratories
Classification: Likely pathogenic for Deficiency of UDPglucose-hexose-1-phosphate uridylyltransferase. Last evaluated: 2018-11-06. Review status: criteria provided, single submitter. Criteria: ARUP Molecular Germline Variant Investigation Process. Collection method: clinical testing. Allele origin: germline.
Comment: The GALT c.617A>G; p.Gln206Arg variant is reported in the literature in the homozygous state in an individual with classic galactosemia (Liu 2012). This variant is absent from general population databases (Exome Variant Server, Genome Aggregation Database), indicating it is not a common polymorphism. The glutamine at codon 206 is moderately conserved, and computational analyses (SIFT, PolyPhen-2) predict that this variant is deleterious. Consistent with these predictions, an in vitro GALT assay suggested the p.Gln206Arg variant exhibits negligible activity compared to wildtype protein (Spencer 2013). Based on available information, this variant is considered to be likely pathogenic. References: Liu Y et al. N- and O-linked glycosylation of total plasma glycoproteins in galactosemia. Mol Genet Metab. 2012 Aug;106(4):442-54. Spencer JB et al. Modifiers of ovarian function in girls and women with classic galactosemia. J Clin Endocrinol Metab. 2013 Jul;98(7):E1257-65.

Literature cited by the submitters: PubMed 22743281 (cited by Mayo Clinic Laboratories, Mayo Clinic and Labcorp Genetics (formerly Invitae), Labcorp).